The following is an entry in ClinVar:

NM_014244.5(ADAMTS2):c.667G>A (p.Gly223Arg)

Gene: ADAMTS2 (ADAM metallopeptidase with thrombospondin type 1 motif 2; minus strand). Cytogenetic location: 5q35.3.
Variant type: single nucleotide variant.
Coding change: c.667G>A on transcript NM_014244.5 (MANE Select); coding-DNA position 667, G replaced by A.
Protein change: p.Gly223Arg; replaces glycine 223 with arginine.
Molecular consequence: missense variant.
Genome position (GRCh38, 1-based): chr5:179,272,932, C>T on the plus strand (G>A on the coding strand, the complement: ADAMTS2 is on the minus strand). VCF-style: chr5-179272932-C-T. GRCh37 (hg19) VCF-style: chr5-178699933-C-T.
Other names: p.Gly223Arg; c.667G>A, p.Gly223Arg (NM_021599.4); short protein forms G223R.
Identifiers: ClinVar variation 2682913 (VCV002682913.1), dbSNP rs756085912, ClinGen allele CA133070039.

ClinVar aggregate classification (germline): Uncertain significance (1 of 4 stars; one submission).

gnomAD v4.1: 4 of 1,610,658 alleles (0.00025%); highest among the groups gnomAD compares: Non-Finnish European, 0.00025%; no homozygotes.

Submission:

Mayo Clinic Laboratories, Mayo Clinic
Classification: Uncertain significance. Last evaluated: 2022-11-16. Review status: criteria provided, single submitter. Criteria: ACMG Guidelines, 2015. Collection method: clinical testing. Allele origin: germline. Observed: 1 variant allele.
Comment: BP1, BP4, PM2_supporting